The following is an entry in ClinVar:

ClinVar aggregate classification (germline): Uncertain significance (1 of 4 stars; one submission).

Allele frequency attached by ClinVar (database versions not stated): TOPMed 0.00001; gnomAD 0.00003; ExAC 0.00005; gnomAD exomes 0.00007; ESP Exome Variant Server 0.00008.
gnomAD v4.1: 97 of 1,593,262 alleles (0.0061%); highest among the groups gnomAD compares: Non-Finnish European, 0.0078%; no homozygotes.

Submission:

Labcorp Genetics (formerly Invitae), Labcorp
Classification: Uncertain significance. Last evaluated: 2025-08-31. Review status: criteria provided, single submitter. Criteria: Invitae Variant Classification Sherloc (09022015). Collection method: clinical testing. Allele origin: germline.
Comment: This sequence change replaces alanine, which is neutral and non-polar, with valine, which is neutral and non-polar, at codon 679 of the ACAN protein (p.Ala679Val). This variant is present in population databases (rs367992413, gnomAD 0.02%). This variant has not been reported in the literature in individuals affected with ACAN-related conditions. ClinVar contains an entry for this variant (Variation ID: 2713518). Invitae Evidence Modeling of protein sequence and biophysical properties (such as structural, functional, and spatial information, amino acid conservation, physicochemical variation, residue mobility, and thermodynamic stability) indicates that this missense variant is not expected to disrupt ACAN protein function with a negative predictive value of 80%. In summary, the available evidence is currently insufficient to determine the role of this variant in disease. Therefore, it has been classified as a Variant of Uncertain Significance.

NM_001369268.1(ACAN):c.2036C>T (p.Ala679Val)

Gene: ACAN (aggrecan; plus strand). Cytogenetic location: 15q26.1.
Variant type: single nucleotide variant.
Coding change: c.2036C>T on transcript NM_001369268.1 (MANE Select); coding-DNA position 2036, C replaced by T.
Protein change: p.Ala679Val; replaces alanine 679 with valine.
Molecular consequence: missense variant.
Genome position (GRCh38, 1-based): chr15:88,851,803, C>T. VCF-style: chr15-88851803-C-T. GRCh37 (hg19) VCF-style: chr15-89395034-C-T.
Other names: c.2036C>T, p.Ala679Val (NM_001135.4, NM_001411096.1, NM_001411097.1 and 1 more transcripts); short protein forms A679V.
Identifiers: ClinVar variation 2713518 (VCV002713518.3), dbSNP rs367992413, ClinGen allele CA7719790.
Genomic context (GRCh38, chr15:88,851,803, plus strand): 5'-CGGGTCACTGGTAAGAGAGGGACTCACTCTGACCACCCACATCTCCTTTAGGCATTTCAG[C>T]GGTTCCTTCTCCAGGAGAAGAAGAGGGTGGCACACCCACATCACCCTCTGGTGTGGAGGA-3'
Protein context (NP_001356197.1, residues 669-689): HHAFCFRGIS[Ala679Val]VPSPGEEEGG